The following is an entry in ClinVar:

ClinVar aggregate classification (germline): Pathogenic (1 of 4 stars; one submission).

Conditions:
Tuberous sclerosis 2 (TSC2). Identifiers: Orphanet 805, MedGen C1860707, MONDO:0013199, OMIM 613254.

Submission:

Labcorp Genetics (formerly Invitae), Labcorp
Classification: Pathogenic for Tuberous sclerosis 2. Last evaluated: 2023-12-01. Review status: criteria provided, single submitter. Criteria: Invitae Variant Classification Sherloc (09022015). Collection method: clinical testing. Allele origin: unknown.
Comment: This variant is a gross deletion of the genomic region encompassing exon(s) 12-33 of the TSC2 gene. This variant would be expected to be in-frame, preserving the integrity of the reading frame. This variant has not been reported in the literature in individuals affected with TSC2-related conditions. This variant disrupts a region of the TSC2 protein in which other variant(s) (p.Cys414Gly) have been determined to be pathogenic (Invitae). This suggests that this is a clinically significant region of the protein, and that variants that disrupt it are likely to be disease-causing. For these reasons, this variant has been classified as Pathogenic.

NC_000016.9:g.(?_2111852)_(2133837_?)del

Gene: TSC2 (TSC complex subunit 2; plus strand). Cytogenetic location: 16p13.3.
Variant type: Deletion.
Identifiers: ClinVar variation 3243448 (VCV003243448.1).